The following is an entry in ClinVar:

ClinVar aggregate classification (germline): Uncertain significance (1 of 4 stars; one submission).

Allele frequency attached by ClinVar (database versions not stated): gnomAD exomes below 0.00001; gnomAD 0.00001; TOPMed 0.00001.
gnomAD v4.1: 5 of 1,613,780 alleles (0.00031%); highest among the groups gnomAD compares: African/African-American, 0.004%; no homozygotes.

Submission:

Labcorp Genetics (formerly Invitae), Labcorp
Classification: Uncertain significance. Last evaluated: 2024-10-26. Review status: criteria provided, single submitter. Criteria: Invitae Variant Classification Sherloc (09022015). Collection method: clinical testing. Allele origin: germline.
Comment: This sequence change replaces valine, which is neutral and non-polar, with methionine, which is neutral and non-polar, at codon 3575 of the HMCN1 protein (p.Val3575Met). This variant is present in population databases (no rsID available, gnomAD 0.007%). This variant has not been reported in the literature in individuals affected with HMCN1-related conditions. ClinVar contains an entry for this variant (Variation ID: 1902264). An algorithm developed to predict the effect of missense changes on protein structure and function outputs the following: PolyPhen-2: "Benign". The methionine amino acid residue is found in multiple mammalian species, which suggests that this missense change does not adversely affect protein function. In summary, the available evidence is currently insufficient to determine the role of this variant in disease. Therefore, it has been classified as a Variant of Uncertain Significance.

NM_031935.3(HMCN1):c.10723G>A (p.Val3575Met)

Gene: HMCN1 (hemicentin 1; plus strand). Cytogenetic location: 1q31.1.
Variant type: single nucleotide variant.
Coding change: c.10723G>A on transcript NM_031935.3 (MANE Select); coding-DNA position 10723, G replaced by A.
Protein change: p.Val3575Met; replaces valine 3575 with methionine.
Molecular consequence: missense variant.
Genome position (GRCh38, 1-based): chr1:186,103,621, G>A. VCF-style: chr1-186103621-G-A. GRCh37 (hg19) VCF-style: chr1-186072753-G-A.
Other names: short protein forms V3575M.
Identifiers: ClinVar variation 1902264 (VCV001902264.5), dbSNP rs1243018678, ClinGen allele CA343935382.
Genomic context (GRCh38, chr1:186,103,621, plus strand): 5'-ATCCCAGCCCCTAAAATGACCTGGATGAAAGATGGCCGGCCCCTTCCACAGACGGATCAA[G>A]TGCAAACTCTAGGAGGAGGAGAGGTTCTTCGAATTTCTACTGCTCAGGTAAGTGTCAAAG-3'
Protein context (NP_114141.2, residues 3565-3585): DGRPLPQTDQ[Val3575Met]QTLGGGEVLR